The following is an entry in ClinVar:

NM_000138.5(FBN1):c.2422A>G (p.Ile808Val)

Gene: FBN1 (fibrillin 1; minus strand). Cytogenetic location: 15q21.1.
Variant type: single nucleotide variant.
Coding change: c.2422A>G on transcript NM_000138.5 (MANE Select); coding-DNA position 2422, A replaced by G.
Protein change: p.Ile808Val; replaces isoleucine 808 with valine.
Molecular consequence: missense variant.
Genome position (GRCh38, 1-based): chr15:48,495,586, T>C on the plus strand (A>G on the coding strand, the complement: FBN1 is on the minus strand). VCF-style: chr15-48495586-T-C. GRCh37 (hg19) VCF-style: chr15-48787783-T-C.
Other names: c.2422A>G, p.Ile808Val (NM_001406716.1); short protein forms I808V.
Identifiers: ClinVar variation 1723377 (VCV001723377.1), dbSNP rs1200915579, ClinGen allele CA392334906.

ClinVar aggregate classification (germline): Uncertain significance (1 of 4 stars; one submission).

gnomAD v4.1: 2 of 1,614,110 alleles (0.00012%); highest among the groups gnomAD compares: Non-Finnish European, 0.00017%; no homozygotes.

Submission:

Women's Health and Genetics/Laboratory Corporation of America, LabCorp
Classification: Uncertain significance. Last evaluated: 2022-10-24. Review status: criteria provided, single submitter. Criteria: LabCorp Variant Classification Summary - May 2015. Collection method: clinical testing. Allele origin: germline.
Comment: Variant summary: FBN1 c.2422A>G (p.Ile808Val) results in a conservative amino acid change located in the EGF-like calcium-binding domain (IPR001881) of the encoded protein sequence. Four of five in-silico tools predict a benign effect of the variant on protein function. The variant allele was found at a frequency of 4e-06 in 251006 control chromosomes. The available data on variant occurrences in the general population are insufficient to allow any conclusion about variant significance. To our knowledge, no occurrence of c.2422A>G in individuals affected with Marfan Syndrome and no experimental evidence demonstrating its impact on protein function have been reported. No clinical diagnostic laboratories have submitted clinical-significance assessments for this variant to ClinVar after 2014. Based on the evidence outlined above, the variant was classified as uncertain significance.